The following is an entry in ClinVar:

ClinVar aggregate classification (germline): Benign/Likely benign. Review status: criteria provided, multiple submitters, no conflicts (2 of 4 stars). 8 submissions from 8 submitters: Benign (2); Likely benign (6). Last evaluated 2025-12-31.

Conditions:
Diabetes mellitus type 1 (T1D). Also called: Diabetes Mellitus, Juvenile-Onset; Type I diabetes mellitus. Identifiers: MedGen C0011854, MONDO:0005147, OMIM 222100, HP:0100651.
Type 2 diabetes mellitus. Also called: Type II diabetes mellitus. Identifiers: MedGen C0011860, MeSH D003924, MONDO:0005148, OMIM 125853, HP:0005978.
Type 1 diabetes mellitus 20 (T1D20). Also called: Diabetes mellitus, insulin-dependent, 20. Identifiers: MedGen C2675866, MONDO:0012919, OMIM 612520.
Hepatic adenomas, familial. Also called: HEPATIC ADENOMA, SOMATIC; LIVER CELL ADENOMAS, FAMILIAL. Identifiers: MedGen C1840646, MONDO:0007718, OMIM 142330.
Nonpapillary renal cell carcinoma. Identifiers: Orphanet 422526, MedGen CN074294, MONDO:0007763, OMIM 144700.
Maturity-onset diabetes of the young type 3. Also called: MODY, type III; MODY type 3. Identifiers: Orphanet 552, MedGen C1838100, MeSH C563933, MONDO:0010894, OMIM 600496. Disease mechanism: loss of function.
Maturity-onset diabetes of the young (MODY). Also called: Maturity onset diabetes mellitus in young. Identifiers: Orphanet 552, MedGen C0342276, MONDO:0018911, HP:0004904.

Allele frequency attached by ClinVar (database versions not stated): gnomAD exomes 0.00015 and 0.00065; gnomAD 0.00020 and 0.00028; TOPMed 0.00033; ExAC 0.00061; 1000 Genomes Project 0.00100.
gnomAD v4.1: 264 of 1,613,408 alleles (0.016%); highest among the groups gnomAD compares: East Asian, 0.55%; 1 homozygote.

Submissions (8):

Labcorp Genetics (formerly Invitae), Labcorp
Classification: Benign. Last evaluated: 2025-12-31. Review status: criteria provided, single submitter. Criteria: Invitae Variant Classification Sherloc (09022015). Collection method: clinical testing. Allele origin: germline.

Blueprint Genetics
Classification: Likely benign. Last evaluated: 2024-11-05. Review status: criteria provided, single submitter. Criteria: ACMG Guidelines, 2015. Collection method: clinical testing. Allele origin: germline.

Ambry Genetics
Classification: Likely benign for Maturity-onset diabetes of the young. Last evaluated: 2022-05-14. Review status: criteria provided, single submitter. Criteria: Ambry Variant Classification Scheme 2023. Collection method: clinical testing. Allele origin: germline.

Fulgent Genetics
Classification: Likely benign for Type 2 diabetes mellitus; Hepatic adenomas, familial; Nonpapillary renal cell carcinoma; Diabetes mellitus type 1; Maturity-onset diabetes of the young type 3; Type 1 diabetes mellitus 20. Last evaluated: 2021-08-16. Review status: criteria provided, single submitter. Criteria: ACMG Guidelines, 2015. Collection method: clinical testing. Allele origin: unknown.

Illumina Laboratory Services, Illumina
Classification: Likely benign for Maturity-onset diabetes of the young type 3. Last evaluated: 2017-04-27. Review status: criteria provided, single submitter. Criteria: ICSL Variant Classification Criteria 13 December 2019. Collection method: clinical testing. Allele origin: germline.
Comment: This variant was observed as part of a predisposition screen in an ostensibly healthy population. A literature search was performed for the gene, cDNA change, and amino acid change (where applicable). No publications were found based on this search. Allele frequency data from public databases allowed determination this variant is unlikely to cause disease. Therefore, this variant is classified as likely benign.

GeneDx
Classification: Likely benign. Last evaluated: 2017-03-13. Review status: criteria provided, single submitter. Criteria: GeneDx Variant Classification (06012015). Collection method: clinical testing. Allele origin: germline. Affected: yes.
Comment: This variant is considered likely benign or benign based on one or more of the following criteria: it is a conservative change, it occurs at a poorly conserved position in the protein, it is predicted to be benign by multiple in silico algorithms, and/or has population frequency not consistent with disease.

Clinical Genomics, Uppaluri K&H Personalized Medicine Clinic
Classification: Likely benign for Maturity-onset diabetes of the young. Review status: criteria provided, single submitter. Criteria: K & H Uppaluri Personalized Medicine Clinic Variant Classification & Assertion Criteria_Updated V.1. Collection method: research. Allele origin: unknown. Inheritance: Autosomal dominant inheritance.
Comment: Mutations in HNF1A gene can predispose to MODY3. It is associated with both micro and macrovascular complications of diabetes, especially cardiovascular complications. Associated with glucosuria. May respond well to sulfonylureas. However, more evidence is required to confer the association of this particular variant rs118028009 with MODY3.

PreventionGenetics, part of Exact Sciences
Classification: Benign. Review status: criteria provided, single submitter. Criteria: ACMG Guidelines, 2015. Collection method: clinical testing. Allele origin: germline.

Literature cited by the submitters: PubMed 31517624 (cited by Clinical Genomics, Uppaluri K&H Personalized Medicine Clinic); PubMed 32395877 (cited by Clinical Genomics, Uppaluri K&H Personalized Medicine Clinic); PubMed 35328643 (cited by Clinical Genomics, Uppaluri K&H Personalized Medicine Clinic).

NM_000545.8(HNF1A):c.1377G>A (p.Leu459=)

Gene: HNF1A (HNF1 homeobox A; plus strand). Cytogenetic location: 12q24.31.
Variant type: single nucleotide variant.
Coding change: c.1377G>A on transcript NM_000545.8 (MANE Select); coding-DNA position 1377, G replaced by A.
Protein change: p.Leu459=; no amino-acid change (leucine 459 retained).
Molecular consequence: synonymous variant.
Genome position (GRCh38, 1-based): chr12:120,997,541, G>A. VCF-style: chr12-120997541-G-A. GRCh37 (hg19) VCF-style: chr12-121435344-G-A.
Other names: c.1377G>A, p.Leu459= (NM_001306179.2).
Identifiers: ClinVar variation 256594 (VCV000256594.18), dbSNP rs118028009, ClinGen allele CA6832030.